The following is an entry in ClinVar:

ClinVar aggregate classification (germline): Benign (1 of 4 stars; one submission).

Conditions:
Methylmalonic aciduria due to methylmalonyl-CoA mutase deficiency (MAMM). Also called: Methylmalonic aciduria, mut type. Identifiers: Orphanet 27, MedGen C1855114, MONDO:0009612, OMIM 251000.

Allele frequency attached by ClinVar (database versions not stated): gnomAD exomes 0.10169; TOPMed 0.10223; gnomAD 0.10433 and 0.10827; 1000 Genomes Project 30x 0.11009; 1000 Genomes Project 0.11362.

Submission:

Illumina Laboratory Services, Illumina
Classification: Benign for Methylmalonic aciduria due to methylmalonyl-CoA mutase deficiency. Last evaluated: 2018-01-13. Review status: criteria provided, single submitter. Criteria: ICSL Variant Classification Criteria 13 December 2019. Collection method: clinical testing. Allele origin: germline.
Comment: This variant was observed in the ICSL laboratory as part of a predisposition screen in an ostensibly healthy population. It had not been previously curated by ICSL or reported in the Human Gene Mutation Database (HGMD: prior to June 1st, 2018), and was therefore a candidate for classification through an automated scoring system. Utilizing variant allele frequency, disease prevalence and penetrance estimates, and inheritance mode, an automated score was calculated to assess if this variant is too frequent to cause the disease. Based on the score and internal cut-off values, a variant classified as benign is not then subjected to further curation. The score for this variant resulted in a classification of benign for this disease.

NM_000255.4(MMUT):c.*580A>G

Gene: MMUT (methylmalonyl-CoA mutase; minus strand). Cytogenetic location: 6p12.3.
Variant type: single nucleotide variant.
Coding change: c.*580A>G on transcript NM_000255.4 (MANE Select); 580 bases downstream of the stop codon, A replaced by G.
Molecular consequence: 3 prime UTR variant.
Genome position (GRCh38, 1-based): chr6:49,431,148, T>C on the plus strand (A>G on the coding strand, the complement: MMUT is on the minus strand). VCF-style: chr6-49431148-T-C. GRCh37 (hg19) VCF-style: chr6-49398861-T-C.
Identifiers: ClinVar variation 357242 (VCV000357242.5), dbSNP rs11757098, ClinGen allele CA10624254.